The following is an entry in ClinVar:

NM_001318852.2(MAPK8IP3):c.1427G>A (p.Arg476His)

Gene: MAPK8IP3 (mitogen-activated protein kinase 8 interacting protein 3; plus strand). Cytogenetic location: 16p13.3.
Variant type: single nucleotide variant.
Coding change: c.1427G>A on transcript NM_001318852.2 (MANE Select); coding-DNA position 1427, G replaced by A.
Protein change: p.Arg476His; replaces arginine 476 with histidine.
Molecular consequence: missense variant.
Genome position (GRCh38, 1-based): chr16:1,760,502, G>A. VCF-style: chr16-1760502-G-A. GRCh37 (hg19) VCF-style: chr16-1810503-G-A.
Other names: c.1406G>A, p.Arg469His (NM_001040439.2); c.1424G>A, p.Arg475His (NM_015133.5); short protein forms R469H, R475H, R476H.
Identifiers: ClinVar variation 1325589 (VCV001325589.1), dbSNP rs758533722, ClinGen allele CA7816829.
Genomic context (GRCh38, chr16:1,760,502, plus strand): 5'-AGGAGGTGCTGAGGGGCGAGTTGGAGGCTGCTAAGCAGGCCAAAGTCAAGCTGGAAAACC[G>A]TATCAAGGAGCTGGAAGAGGAACTGAAAAGGTGAGGGCAGGGCATGGAAAGCTGGTCAGA-3'
Protein context (NP_001305781.1, residues 466-486): AKQAKVKLEN[Arg476His]IKELEEELKR

ClinVar aggregate classification (germline): Uncertain significance (1 of 4 stars; one submission).

Conditions:
Neurodevelopmental disorder with or without variable brain abnormalities; NEDBA. Also called: NEURODEVELOPMENTAL DISORDER WITH OR WITHOUT VARIABLE BRAIN ABNORMALITIES. Identifiers: MedGen C5193102, MONDO:0032755, OMIM 618443.

Allele frequency attached by ClinVar (database versions not stated): ExAC 0.00001; gnomAD exomes 0.00003; gnomAD 0.00005; TOPMed 0.00006.
gnomAD v4.1: 50 of 1,613,464 alleles (0.0031%); highest among the groups gnomAD compares: African/African-American, 0.015%; no homozygotes.

Submission:

New York Genome Center
Classification: Uncertain significance for Neurodevelopmental disorder with or without variable brain abnormalities; NEDBA. Last evaluated: 2020-04-29. Review status: criteria provided, single submitter. Criteria: NYGC Assertion Criteria 2020. Collection method: clinical testing. Allele origin: germline. Observed: 1 heterozygote. Study: CSER-NYCKidSeq.
Comment: The heterozygous p.Arg476His variant identified in the MAPK8IP3 gene has not been reported in the literature in affected individuals. This variant is found at low frequency in gnomAD (7 heterozygotes, 0 homozygotes; allele frequency: 0.00002809) suggesting it is not a common benign variant in the populations represented in this database. The variant affects an evolutionarily conserved residue and is predicted deleterious by multiple in silicoprediction tools. Given the lack of compelling evidence for its pathogenicity, the p.Arg476His variant identified in the MAPK8IP3 gene is reported as a Variant of Uncertain Significance.